The following is an entry in ClinVar:

ClinVar aggregate classification (germline): Uncertain significance (1 of 4 stars; one submission).

Conditions:
Inborn genetic diseases. Identifiers: MedGen C0950123, MeSH D030342.

gnomAD v4.1: 1 of 1,613,946 alleles (0.000062%); highest among the groups gnomAD compares: Non-Finnish European, 0.000085%; no homozygotes.

Submission:

Ambry Genetics
Classification: Uncertain significance for Inborn genetic diseases. Last evaluated: 2026-08-29. Review status: criteria provided, single submitter. Criteria: Ambry Variant Classification Scheme 2023. Collection method: clinical testing. Allele origin: germline.
Comment: The p.S898Y variant (also known as c.2693C>A), located in coding exon 11 of the MECOM gene, results from a C to A substitution at nucleotide position 2693. The serine at codon 898 is replaced by tyrosine, an amino acid with dissimilar properties. This amino acid position is conserved. In addition, this alteration is predicted to be tolerated by in silico analysis. Based on the available evidence, the clinical significance of this variant remains unclear.

NM_004991.4(MECOM):c.2693C>A (p.Ser898Tyr)

Gene: MECOM (MDS1 and EVI1 complex locus; minus strand). Cytogenetic location: 3q26.2.
Variant type: single nucleotide variant.
Coding change: c.2693C>A on transcript NM_004991.4 (MANE Select); coding-DNA position 2693, C replaced by A.
Protein change: p.Ser898Tyr; replaces serine 898 with tyrosine.
Molecular consequence: missense variant.
Genome position (GRCh38, 1-based): chr3:169,102,138, G>T on the plus strand (C>A on the coding strand, the complement: MECOM is on the minus strand). VCF-style: chr3-169102138-G-T. GRCh37 (hg19) VCF-style: chr3-168819926-G-T.
Other names: c.2324C>A, p.Ser775Tyr (NM_001105077.4); c.2129C>A, p.Ser710Tyr (NM_001105078.4, NM_001205194.2, NM_001366469.2 and 1 more transcripts); c.2105C>A, p.Ser702Tyr (NM_001163999.2, NM_001366470.2); c.2102C>A, p.Ser701Tyr (NM_001164000.2, NM_001366471.2, NM_001366472.2); c.2666C>A, p.Ser889Tyr (NM_001366466.2); c.2132C>A, p.Ser711Tyr (NM_001366467.2, NM_001366468.2); c.1694C>A, p.Ser565Tyr (NM_001366473.2); c.1130C>A, p.Ser377Tyr (NM_001366474.2); short protein forms S775Y, S898Y, S702Y, S889Y, S377Y, S701Y, S565Y, S710Y.
Identifiers: ClinVar variation 5024198 (VCV005024198.1).